The following is an entry in ClinVar:

NM_001854.4(COL11A1):c.1636C>G (p.Pro546Ala)

Gene: COL11A1 (collagen type XI alpha 1 chain; minus strand). Cytogenetic location: 1p21.1.
Variant type: single nucleotide variant.
Coding change: c.1636C>G on transcript NM_001854.4 (MANE Select); coding-DNA position 1636, C replaced by G.
Protein change: p.Pro546Ala; replaces proline 546 with alanine.
Molecular consequence: missense variant. On other transcripts: non-coding transcript variant (1).
Genome position (GRCh38, 1-based): chr1:103,008,510, G>C on the plus strand (C>G on the coding strand, the complement: COL11A1 is on the minus strand). VCF-style: chr1-103008510-G-C. GRCh37 (hg19) VCF-style: chr1-103474066-G-C.
Other names: c.1288C>G, p.Pro430Ala (NM_080630.4); c.1519C>G, p.Pro507Ala (NM_001190709.2); c.1672C>G, p.Pro558Ala (NM_080629.3); short protein forms P430A, P507A, P546A, P558A.
Identifiers: ClinVar variation 3647311 (VCV003647311.2).

ClinVar aggregate classification (germline): Uncertain significance (1 of 4 stars; one submission).

gnomAD v4.1: 2 of 1,613,450 alleles (0.00012%); highest among the groups gnomAD compares: Non-Finnish European, 0.00017%; no homozygotes.

Submission:

Labcorp Genetics (formerly Invitae), Labcorp
Classification: Uncertain significance. Last evaluated: 2024-03-22. Review status: criteria provided, single submitter. Criteria: Invitae Variant Classification Sherloc (09022015). Collection method: clinical testing. Allele origin: germline.
Comment: This sequence change replaces proline, which is neutral and non-polar, with alanine, which is neutral and non-polar, at codon 546 of the COL11A1 protein (p.Pro546Ala). This variant is present in population databases (rs777447423, gnomAD 0.0009%). This variant has not been reported in the literature in individuals affected with COL11A1-related conditions. Advanced modeling of protein sequence and biophysical properties (such as structural, functional, and spatial information, amino acid conservation, physicochemical variation, residue mobility, and thermodynamic stability) performed at Invitae indicates that this missense variant is not expected to disrupt COL11A1 protein function with a negative predictive value of 80%. In summary, the available evidence is currently insufficient to determine the role of this variant in disease. Therefore, it has been classified as a Variant of Uncertain Significance.